The following is an entry in ClinVar:

ClinVar aggregate classification (germline): Pathogenic/Likely pathogenic. Review status: criteria provided, multiple submitters, no conflicts (2 of 4 stars). 2 submissions from 2 submitters: Pathogenic (1); Likely pathogenic (1). Last evaluated 2023-03-16.

Conditions:
Maple syrup urine disease (MSUD). Identifiers: Orphanet 511, MedGen C0024776, MeSH D008375, MONDO:0009563. Disease mechanism: loss of function.

Allele frequency attached by ClinVar (database versions not stated): gnomAD 0.00001.
gnomAD v4.1: 3 of 1,613,080 alleles (0.00019%); highest among the groups gnomAD compares: African/African-American, 0.004%; no homozygotes.

Submissions (2):

Baylor Genetics
Classification: Likely pathogenic for Maple syrup urine disease type 1A. Last evaluated: 2023-03-16. Review status: criteria provided, single submitter. Criteria: ACMG Guidelines, 2015. Collection method: clinical testing. Allele origin: unknown.

Labcorp Genetics (formerly Invitae), Labcorp
Classification: Pathogenic for Maple syrup urine disease. Last evaluated: 2021-03-29. Review status: criteria provided, single submitter. Criteria: Invitae Variant Classification Sherloc (09022015). Collection method: clinical testing. Allele origin: germline.
Comment: This variant has been observed in individual(s) with maple syrup urine disease (Invitae). In at least one individual the data is consistent with the variant being in trans (on the opposite chromosome) from a pathogenic variant. Algorithms developed to predict the effect of sequence changes on RNA splicing suggest that this variant may disrupt the consensus splice site, but this prediction has not been confirmed by published transcriptional studies. For these reasons, this variant has been classified as Pathogenic. This sequence change affects an acceptor splice site in intron 1 of the DBT gene. It is expected to disrupt RNA splicing. Variants that disrupt the donor or acceptor splice site typically lead to a loss of protein function (PMID: 16199547), and loss-of-function variants in DBT are known to be pathogenic (PMID: 16579849, 16786533). This variant is not present in population databases (ExAC no frequency).

Literature cited by the submitters: PubMed 16199547 (cited by Labcorp Genetics (formerly Invitae), Labcorp); PubMed 16579849 (cited by Labcorp Genetics (formerly Invitae), Labcorp); PubMed 16786533 (cited by Labcorp Genetics (formerly Invitae), Labcorp).

NM_001918.5(DBT):c.52-1G>A

Gene: DBT (dihydrolipoamide branched chain transacylase E2; minus strand). Cytogenetic location: 1p21.2.
Variant type: single nucleotide variant.
Coding change: c.52-1G>A on transcript NM_001918.5 (MANE Select); the canonical splice acceptor site of the intron before coding-DNA position 52, G replaced by A.
Molecular consequence: splice acceptor variant.
Genome position (GRCh38, 1-based): chr1:100,240,885, C>T on the plus strand (G>A on the coding strand, the complement: DBT is on the minus strand). VCF-style: chr1-100240885-C-T. GRCh37 (hg19) VCF-style: chr1-100706441-C-T.
Other names: c.-492-1G>A (NM_001399972.1, NM_001399969.1); c.52-1G>A (NM_001918.3).
Identifiers: ClinVar variation 1067759 (VCV001067759.11), dbSNP rs755914063, ClinGen allele CA341347204.
Genomic context (GRCh38, chr1:100,240,885, plus strand): 5'-CACATAATTTGGCTTCAAAACATGAACATTACCACATGTTTGAAAATAGCGAACACAAAT[C>T]TACAGATGAGAAAACAAAAAGTAAAAGCATTTATAAACAACCATACCGGCTTATCTCTAA-3'